The following is an entry in ClinVar:

NM_000243.3(MEFV):c.2078T>A (p.Met693Lys)

Genes: MEFV (MEFV innate immunity regulator, pyrin; minus strand), LOC126862264 (CDK7 strongly-dependent group 2 enhancer GRCh37_chr16:3293322-3294521; plus strand). Cytogenetic location: 16p13.3.
Variant type: single nucleotide variant.
Coding change: c.2078T>A on transcript NM_000243.3 (MANE Select); coding-DNA position 2078, T replaced by A.
Protein change: p.Met693Lys; replaces methionine 693 with lysine.
Molecular consequence: missense variant. On other transcripts: 3 prime UTR variant (1).
Genome position (GRCh38, 1-based): chr16:3,243,409, A>T on the plus strand (T>A on the coding strand, the complement: MEFV is on the minus strand). VCF-style: chr16-3243409-A-T. GRCh37 (hg19) VCF-style: chr16-3293409-A-T.
Other names: c.*282T>A (NM_001198536.2); short protein forms M693K.
Identifiers: ClinVar variation 1301316 (VCV001301316.2), dbSNP rs749052818, ClinGen allele CA276955135.

ClinVar aggregate classification (germline): Uncertain significance. Review status: criteria provided, multiple submitters, no conflicts (2 of 4 stars). 2 submissions from 2 submitters: Uncertain significance (2). Last evaluated 2024-05-23.

Conditions:
Familial Mediterranean fever (FMF). Also called: POLYSEROSITIS, FAMILIAL PAROXYSMAL; POLYSEROSITIS, RECURRENT; Periodic peritonitis; Benign paroxysmal peritonitis. Identifiers: Orphanet 342, MedGen C0031069, MONDO:0018088, OMIM 249100. Disease mechanism: gain of function.
Familial Mediterranean fever, autosomal dominant. Also called: Dominant Familial Mediterranean Fever; FMF, AUTOSOMAL DOMINANT. Identifiers: Orphanet 342, MedGen C1851347, MONDO:0007601, OMIM 134610.
Acute febrile neutrophilic dermatosis (AFND). Also called: Sweet Syndrome; Gomm Button disease. Identifiers: Orphanet 3243, MedGen C0085077, MONDO:0011959, OMIM 608068.

gnomAD v4.1: 1 of 1,614,032 alleles (0.000062%); highest among the groups gnomAD compares: Non-Finnish European, 0.000085%; no homozygotes.

Submissions (2):

Fulgent Genetics
Classification: Uncertain significance for Familial Mediterranean fever, autosomal dominant; Familial Mediterranean fever; Acute febrile neutrophilic dermatosis. Last evaluated: 2024-05-23. Review status: criteria provided, single submitter. Criteria: ACMG Guidelines, 2015. Collection method: clinical testing. Allele origin: germline.

Women's Health and Genetics/Laboratory Corporation of America, LabCorp
Classification: Uncertain significance. Last evaluated: 2021-09-02. Review status: criteria provided, single submitter. Criteria: LabCorp Variant Classification Summary - May 2015. Collection method: clinical testing. Allele origin: germline.
Comment: Variant summary: MEFV c.2078T>A (p.Met693Lys) results in a non-conservative amino acid change located in the SPRY domain (IPR003877) of the encoded protein sequence. Three of five in-silico tools predict a damaging effect of the variant on protein function. The variant was absent in 251482 control chromosomes (gnomAD). The available data on variant occurrences in the general population are insufficient to allow any conclusion about variant significance. This report does not provide unequivocal conclusions about association of the variant with Familial Mediterranean Fever. To our knowledge, no experimental evidence demonstrating an impact on protein function has been reported. No clinical diagnostic laboratories have submitted clinical-significance assessments for this variant to ClinVar after 2014. Based on the evidence outlined above, the variant was classified as uncertain significance.

Literature cited by the submitters: PubMed 31411330 (cited by Women's Health and Genetics/Laboratory Corporation of America, LabCorp); PubMed 29490685 (cited by Women's Health and Genetics/Laboratory Corporation of America, LabCorp).